The following is an entry in ClinVar:

NM_000535.7(PMS2):c.804-19C>T

Gene: PMS2 (PMS1 homolog 2, mismatch repair system component; minus strand). Cytogenetic location: 7p22.1.
Variant type: single nucleotide variant.
Coding change: c.804-19C>T on transcript NM_000535.7 (MANE Select); 19 bases into the intron before coding-DNA position 804, C replaced by T.
Molecular consequence: intron variant.
Genome position (GRCh38, 1-based): chr7:5,995,652, G>A on the plus strand (C>T on the coding strand, the complement: PMS2 is on the minus strand). VCF-style: chr7-5995652-G-A. GRCh37 (hg19) VCF-style: chr7-6035283-G-A.
Other names: c.486-19C>T (NM_001322008.2, NM_001406902.1, NM_001406883.1 and 4 more transcripts); c.495-19C>T (NM_001406881.1, NM_001406879.1, NM_001322015.2 and 6 more transcripts); c.399-19C>T (NM_001406895.1, NM_001322010.2, NM_001322004.2 and 19 more transcripts); c.133-3595C>T (NM_001406911.1); c.291-19C>T (NM_001406904.1, NM_001406905.1); c.231-19C>T (NM_001322013.2, NM_001406909.1); c.-130-19C>T (NM_001322012.2, NM_001322011.2); c.468-19C>T (NM_001406885.1); and 8 more.
Identifiers: ClinVar variation 2810029 (VCV002810029.4), dbSNP rs1203548289, ClinGen allele CA572547861.
Genomic context (GRCh38, chr7:5,995,652, plus strand): 5'-CTTCCAACTCCATGCGTGCATTGTGAAATGAAACCTGAGATGCTATTCAACATTAATATG[G>A]TAAGGGCAGGATTCCAGAGTGAAAGGGATTAGAAATACGATCACATGGCACATTCTTAAA-3'

ClinVar aggregate classification (germline): Likely benign. Review status: criteria provided, multiple submitters, no conflicts (2 of 4 stars). 2 submissions from 2 submitters: Likely benign (2). Last evaluated 2025-01-28.

Conditions:
Hereditary nonpolyposis colorectal neoplasms. Identifiers: MedGen C0009405, MeSH D003123.
Lynch syndrome 4 (LYNCH4). Also called: Colorectal cancer, hereditary nonpolyposis, type 4; Hereditary non-polyposis colorectal cancer, type 4. Identifiers: Orphanet 144, MedGen C1838333, MONDO:0013699, OMIM 614337. Disease mechanism: loss of function.

gnomAD v4.1: 3 of 1,508,402 alleles (0.0002%); highest among the groups gnomAD compares: South Asian, 0.0034%; no homozygotes.

Submissions (2):

Myriad Genetics, Inc.
Classification: Likely benign for Lynch syndrome 4. Last evaluated: 2025-01-28. Review status: criteria provided, single submitter. Criteria: Myriad Autosomal Dominant, Autosomal Recessive and X-Linked Classification Criteria (2023). Collection method: clinical testing. Allele origin: unknown.
Comment: This variant is considered likely benign. This variant is intronic and is not expected to impact mRNA splicing.

Labcorp Genetics (formerly Invitae), Labcorp
Classification: Likely benign for Hereditary nonpolyposis colorectal neoplasms. Last evaluated: 2022-11-15. Review status: criteria provided, single submitter. Criteria: Invitae Variant Classification Sherloc (09022015). Collection method: clinical testing. Allele origin: germline.